The following is an entry in ClinVar:

NM_002303.6(LEPR):c.519T>C (p.Pro173=)

Gene: LEPR (leptin receptor; plus strand). Cytogenetic location: 1p31.3.
Variant type: single nucleotide variant.
Coding change: c.519T>C on transcript NM_002303.6 (MANE Select); coding-DNA position 519, T replaced by C.
Protein change: p.Pro173=; no amino-acid change (proline 173 retained).
Molecular consequence: synonymous variant.
Genome position (GRCh38, 1-based): chr1:65,592,681, T>C. VCF-style: chr1-65592681-T-C. GRCh37 (hg19) VCF-style: chr1-66058364-T-C.
Other names: c.519T>C, p.Pro173= (NM_001003679.3, NM_001003680.3, NM_001198687.2 and 2 more transcripts).
Identifiers: ClinVar variation 3031239 (VCV003031239.2), dbSNP rs748461173, ClinGen allele CA894581.

ClinVar aggregate classification (germline): Likely benign (0 of 4 stars; one submission).

Conditions:
LEPR-related disorder. Also called: LEPR-related condition; LEPR-related disorders.

Allele frequency attached by ClinVar (database versions not stated): gnomAD exomes below 0.00001; ExAC 0.00001.
gnomAD v4.1: 1 of 1,613,234 alleles (0.000062%); highest among the groups gnomAD compares: Non-Finnish European, 0.000085%; no homozygotes.

Submission:

PreventionGenetics, part of Exact Sciences
Classification: Likely benign for LEPR-related condition. Last evaluated: 2021-02-08. Review status: no assertion criteria provided. Collection method: clinical testing. Allele origin: germline.
Comment: This variant is classified as likely benign based on ACMG/AMP sequence variant interpretation guidelines (Richards et al. 2015 PMID: 25741868, with internal and published modifications).